The following is an entry in ClinVar:

NM_000642.3(AGL):c.1379G>A (p.Gly460Glu)

Gene: AGL (amylo-alpha-1,6-glucosidase and 4-alpha-glucanotransferase; plus strand). Cytogenetic location: 1p21.2.
Variant type: single nucleotide variant.
Coding change: c.1379G>A on transcript NM_000642.3 (MANE Select); coding-DNA position 1379, G replaced by A.
Protein change: p.Gly460Glu; replaces glycine 460 with glutamic acid.
Molecular consequence: missense variant.
Genome position (GRCh38, 1-based): chr1:99,876,553, G>A. VCF-style: chr1-99876553-G-A. GRCh37 (hg19) VCF-style: chr1-100342109-G-A.
Other names: c.1379G>A, p.Gly460Glu (NM_000028.3, NM_000643.3, NM_000644.3 and 2 more transcripts); c.1331G>A, p.Gly444Glu (NM_000646.3); c.1178G>A, p.Gly393Glu (NM_001425327.1); c.1175G>A, p.Gly392Glu (NM_001425328.1, NM_001425329.1); c.1001G>A, p.Gly334Glu (NM_001425332.1); short protein forms G460E, G444E, G334E, G392E, G393E.
Identifiers: ClinVar variation 1977023 (VCV001977023.5), dbSNP rs1165690282, ClinGen allele CA341346450.

ClinVar aggregate classification (germline): Uncertain significance (1 of 4 stars; one submission).

Conditions:
Glycogen storage disease type III (GSD3). Also called: Cori disease; FORBES DISEASE. Identifiers: Orphanet 366, MedGen C0017922, MONDO:0009291, OMIM 232400.

Submission:

Labcorp Genetics (formerly Invitae), Labcorp
Classification: Uncertain significance for Glycogen storage disease type III. Last evaluated: 2023-07-20. Review status: criteria provided, single submitter. Criteria: Invitae Variant Classification Sherloc (09022015). Collection method: clinical testing. Allele origin: germline.
Comment: In summary, the available evidence is currently insufficient to determine the role of this variant in disease. Therefore, it has been classified as a Variant of Uncertain Significance. Advanced modeling of protein sequence and biophysical properties (such as structural, functional, and spatial information, amino acid conservation, physicochemical variation, residue mobility, and thermodynamic stability) performed at Invitae indicates that this missense variant is expected to disrupt AGL protein function. ClinVar contains an entry for this variant (Variation ID: 1977023). This variant has not been reported in the literature in individuals affected with AGL-related conditions. This variant is present in population databases (no rsID available, gnomAD 0.0009%). This sequence change replaces glycine, which is neutral and non-polar, with glutamic acid, which is acidic and polar, at codon 460 of the AGL protein (p.Gly460Glu).